The following is an entry in ClinVar:

NM_000102.4(CYP17A1):c.666+2T>C

Gene: CYP17A1 (cytochrome P450 family 17 subfamily A member 1; minus strand). Cytogenetic location: 10q24.32.
Variant type: single nucleotide variant.
Coding change: c.666+2T>C on transcript NM_000102.4 (MANE Select); the canonical splice donor site of the intron after coding-DNA position 666, T replaced by C.
Molecular consequence: splice donor variant.
Genome position (GRCh38, 1-based): chr10:102,834,783, A>G on the plus strand (T>C on the coding strand, the complement: CYP17A1 is on the minus strand). VCF-style: chr10-102834783-A-G. GRCh37 (hg19) VCF-style: chr10-104594540-A-G.
Identifiers: ClinVar variation 1948728 (VCV001948728.7), dbSNP rs760032797, ClinGen allele CA5669511.

ClinVar aggregate classification (germline): Likely pathogenic (1 of 4 stars; one submission).

Allele frequency attached by ClinVar (database versions not stated): gnomAD exomes below 0.00001; ExAC 0.00001.
gnomAD v4.1: 3 of 1,614,112 alleles (0.00019%); highest among the groups gnomAD compares: Non-Finnish European, 0.00025%; no homozygotes.

Submission:

Labcorp Genetics (formerly Invitae), Labcorp
Classification: Likely pathogenic. Last evaluated: 2026-01-28. Review status: criteria provided, single submitter. Criteria: Invitae Variant Classification Sherloc (09022015). Collection method: clinical testing. Allele origin: germline.
Comment: This sequence change affects a donor splice site in intron 3 of the CYP17A1 gene. It is expected to disrupt RNA splicing. Variants that disrupt the donor or acceptor splice site typically lead to a loss of protein function (PMID: 16199547), and loss-of-function variants in CYP17A1 are known to be pathogenic (PMID: 10720067, 14747197, 17192295, 20197673, 24140098). This variant is present in population databases (rs760032797, gnomAD 0.0009%). This variant has not been reported in the literature in individuals affected with CYP17A1-related conditions. ClinVar contains an entry for this variant (Variation ID: 1948728). Algorithms developed to predict the effect of sequence changes on RNA splicing suggest that this variant may disrupt the consensus splice site. In summary, the currently available evidence indicates that the variant is pathogenic, but additional data are needed to prove that conclusively. Therefore, this variant has been classified as Likely Pathogenic.

Literature cited by the submitters: PubMed 16199547; PubMed 10720067; PubMed 14747197; PubMed 17192295; PubMed 20197673; PubMed 24140098.